The following is an entry in ClinVar:

NM_032119.4(ADGRV1):c.12012dup (p.Ile4006fs)

Gene: ADGRV1 (adhesion G protein-coupled receptor V1; plus strand). Cytogenetic location: 5q14.3.
Variant type: Duplication.
Coding change: c.12012dup on transcript NM_032119.4 (MANE Select); coding-DNA position 12012, one base duplicated (C; older notation c.12012dupC).
Protein change: p.Ile4006fs; shifts the reading frame from isoleucine 4006.
Molecular consequence: frameshift variant. On other transcripts: non-coding transcript variant (1).
Genome position (GRCh38, 1-based): chr5:90,759,480, C duplicated; the last of 2 consecutive C bases (chr5:90,759,479-90,759,480); duplicating either gives the same sequence. VCF-style (leftmost placement, unchanged base first): chr5-90759478-T-TC. GRCh37 (hg19) VCF-style: chr5-90055295-T-TC.
Other names: short protein forms I4006fs.
Identifiers: ClinVar variation 2824116 (VCV002824116.3), dbSNP rs2531672261, ClinGen allele CA2739274844.
Genomic context (GRCh38, chr5:90,759,478, plus strand): 5'-ATGATAGAAATCACCATAATTGATGATGCTGAATTTGAATTGACAGAGACGTTCAATATT[T>TC]CCTTGATCAGTGTTGCTGGAGGTGGCAGACTTGGTGATGATGTTGTGGTAACTGTTGTTA-3'

ClinVar aggregate classification (germline): Pathogenic (1 of 4 stars; one submission).

Submission:

Labcorp Genetics (formerly Invitae), Labcorp
Classification: Pathogenic. Last evaluated: 2022-12-25. Review status: criteria provided, single submitter. Criteria: Invitae Variant Classification Sherloc (09022015). Collection method: clinical testing. Allele origin: germline.
Comment: This sequence change creates a premature translational stop signal (p.Ile4006Aspfs*11) in the ADGRV1 gene. It is expected to result in an absent or disrupted protein product. Loss-of-function variants in ADGRV1 are known to be pathogenic (PMID: 19357117, 22135276, 22147658, 26226137, 30718709, 31047384, 32467589). This variant is not present in population databases (gnomAD no frequency). This variant has not been reported in the literature in individuals affected with ADGRV1-related conditions. For these reasons, this variant has been classified as Pathogenic.

Literature cited by the submitters: PubMed 19357117; PubMed 22135276; PubMed 22147658; PubMed 26226137; PubMed 30718709; PubMed 31047384; PubMed 32467589.